The following is an entry in ClinVar:

NM_002392.6(MDM2):c.15-2A>G

Genes: MDM2 (MDM2 proto-oncogene; plus strand), LOC126861563 (CDK7 strongly-dependent group 2 enhancer GRCh37_chr12:69202246-69203445; plus strand). Cytogenetic location: 12q15.
Variant type: single nucleotide variant.
Coding change: c.15-2A>G on transcript NM_002392.6 (MANE Select); the canonical splice acceptor site of the intron before coding-DNA position 15, A replaced by G.
Molecular consequence: splice acceptor variant.
Genome position (GRCh38, 1-based): chr12:68,809,206, A>G. VCF-style: chr12-68809206-A-G. GRCh37 (hg19) VCF-style: chr12-69202986-A-G.
Other names: c.15-2A>G (NM_001145339.2); c.-4-2A>G (NM_001367990.1, NM_001145337.3, NM_001278462.2 and 1 more transcripts).
Identifiers: ClinVar variation 1377454 (VCV001377454.8), dbSNP rs2136105482, ClinGen allele CA385702828.

ClinVar aggregate classification (germline): Uncertain significance (1 of 4 stars; one submission).

Conditions:
Accelerated tumor formation, susceptibility to (ACTFS). Identifiers: MedGen C3280690, OMIM 614401, MONDO:0013733.

Allele frequency attached by ClinVar (database versions not stated): gnomAD exomes below 0.00001.
gnomAD v4.1: 2 of 1,608,628 alleles (0.00012%); highest among the groups gnomAD compares: African/African-American, 0.0013%; no homozygotes.

Submission:

Labcorp Genetics (formerly Invitae), Labcorp
Classification: Uncertain significance for Accelerated tumor formation, susceptibility to. Last evaluated: 2022-07-19. Review status: criteria provided, single submitter. Criteria: Invitae Variant Classification Sherloc (09022015). Collection method: clinical testing. Allele origin: germline.
Comment: In summary, the available evidence is currently insufficient to determine the role of this variant in disease. Therefore, it has been classified as a Variant of Uncertain Significance. Algorithms developed to predict the effect of sequence changes on RNA splicing suggest that this variant may disrupt the consensus splice site. ClinVar contains an entry for this variant (Variation ID: 1377454). This variant has not been reported in the literature in individuals affected with MDM2-related conditions. This variant is not present in population databases (gnomAD no frequency). This sequence change affects an acceptor splice site in intron 1 of the MDM2 gene. It is expected to disrupt RNA splicing. Variants that disrupt the donor or acceptor splice site typically lead to a loss of protein function (PMID: 16199547), however the current clinical and genetic evidence is not sufficient to establish whether loss-of-function variants in MDM2 cause disease.

Literature cited by the submitters: PubMed 16199547.